The following is an entry in ClinVar:

ClinVar aggregate classification (germline): Pathogenic (1 of 4 stars; one submission).

Conditions:
Acyl-CoA oxidase deficiency. Also called: Peroxisomal acyl-CoA oxidase deficiency; Pseudoneonatal adrenoleukodystrophy; STRAIGHT-CHAIN ACYL-CoA OXIDASE DEFICIENCY. Identifiers: Orphanet 2971, MedGen C1849678, MONDO:0009919, OMIM 264470. Disease mechanism: loss of function.

Submission:

Labcorp Genetics (formerly Invitae), Labcorp
Classification: Pathogenic for Pseudoneonatal adrenoleukodystrophy. Last evaluated: 2018-03-27. Review status: criteria provided, single submitter. Criteria: Invitae Variant Classification Sherloc (09022015). Collection method: clinical testing. Allele origin: germline.
Comment: This variant is a gross deletion of the genomic region encompassing exons 1-2 of the ACOX1 gene, which includes the initiator codon. The 5' end of this event is unknown as it extends beyond the assayed region for this gene and therefore may encompass additional genes. The 3' boundary is likely confined to intron 2 of the ACOX1 gene. This is expected to result in an absent or disrupted protein product. This variant has not been reported in individuals affected with ACOX1 related disease. Loss-of-function variants in ACOX1 are known to be pathogenic (PMID: 8040306, 17458872). For these reasons, this variant has been classified as Pathogenic.

NC_000017.11:g.(?_75973605)_(75979093_?)del

Gene: ACOX1 (acyl-CoA oxidase 1; minus strand). Cytogenetic location: 17q25.1.
Variant type: Deletion.
Identifiers: ClinVar variation 583563 (VCV000583563.1).